The following is an entry in ClinVar:

ClinVar aggregate classification (germline): Likely benign. Review status: criteria provided, multiple submitters, no conflicts (2 of 4 stars). 4 submissions from 4 submitters: Likely benign (2). 2 of the submissions do not count toward it. Last evaluated 2025-12-28.

Conditions:
VPS13A-related disorder. Also called: VPS13A-related condition.
VPS13A-related neurodegenerative disease. Also called: LEVINE-CRITCHLEY SYNDROME; VPS13A Disease; ACANTHOCYTOSIS WITH NEUROLOGIC DISORDER; Choreoacanthocytosis; Chorea-acanthocytosis; Choreaacanthocytosis. Identifiers: Orphanet 2388, MedGen C0393576, MONDO:0008695, OMIM 200150.

Allele frequency attached by ClinVar (database versions not stated): TOPMed 0.00004; gnomAD 0.00006; gnomAD exomes 0.00008 and 0.00009; ExAC 0.00011; ESP Exome Variant Server 0.00023.
gnomAD v4.1: 144 of 1,612,700 alleles (0.0089%); highest among the groups gnomAD compares: South Asian, 0.015%; 1 homozygote.

Submissions (4):

Labcorp Genetics (formerly Invitae), Labcorp
Classification: Likely benign. Last evaluated: 2025-12-28. Review status: criteria provided, single submitter. Criteria: Invitae Variant Classification Sherloc (09022015). Collection method: clinical testing. Allele origin: germline.

Blueprint Genetics
Classification: Likely benign. Last evaluated: 2024-02-05. Review status: criteria provided, single submitter. Criteria: ACMG Guidelines, 2015. Collection method: clinical testing. Allele origin: germline.

Natera, Inc.
Classification: Likely benign for Choreaacanthocytosis. Last evaluated: 2020-09-16. Review status: no assertion criteria provided. Collection method: clinical testing. Allele origin: germline. Not counted in ClinVar's aggregate classification.

PreventionGenetics, part of Exact Sciences
Classification: Likely benign for VPS13A-related condition. Last evaluated: 2019-07-30. Review status: no assertion criteria provided. Collection method: clinical testing. Allele origin: germline. Not counted in ClinVar's aggregate classification.
Comment: This variant is classified as likely benign based on ACMG/AMP sequence variant interpretation guidelines (Richards et al. 2015 PMID: 25741868, with internal and published modifications).

NM_033305.3(VPS13A):c.1269T>C (p.Asp423=)

Gene: VPS13A (vacuolar protein sorting 13 homolog A; plus strand). Cytogenetic location: 9q21.2.
Variant type: single nucleotide variant.
Coding change: c.1269T>C on transcript NM_033305.3 (MANE Select); coding-DNA position 1269, T replaced by C.
Protein change: p.Asp423=; no amino-acid change (aspartic acid 423 retained).
Molecular consequence: synonymous variant.
Genome position (GRCh38, 1-based): chr9:77,226,510, T>C. VCF-style: chr9-77226510-T-C. GRCh37 (hg19) VCF-style: chr9-79841426-T-C.
Other names: c.1269T>C, p.Asp423= (NM_001018037.2, NM_001018038.3, NM_015186.4).
Identifiers: ClinVar variation 698645 (VCV000698645.15), dbSNP rs151069489, ClinGen allele CA5091632.
Genomic context (GRCh38, chr9:77,226,510, plus strand): 5'-AATTTATTCATTTTAGGTAAAGAAAGCTGGATACAAAATTTACAAAGAAGGAGTAAAAGA[T>C]CCAGAGGATAATAAAGGGTGGTTTAGCTGGCTATGGTCTTGGTCAGAACAAAATACTAAT-3'
Protein context (NP_150648.2, residues 413-433): GYKIYKEGVK[Asp423=]PEDNKGWFSW